The following is an entry in ClinVar:

ClinVar aggregate classification (germline): Uncertain significance (1 of 4 stars; one submission).

Submission:

Labcorp Genetics (formerly Invitae), Labcorp
Classification: Uncertain significance. Last evaluated: 2022-07-30. Review status: criteria provided, single submitter. Criteria: Invitae Variant Classification Sherloc (09022015). Collection method: clinical testing. Allele origin: germline.
Comment: In summary, the available evidence is currently insufficient to determine the role of this variant in disease. Therefore, it has been classified as a Variant of Uncertain Significance. Algorithms developed to predict the effect of missense changes on protein structure and function (SIFT, PolyPhen-2, Align-GVGD) all suggest that this variant is likely to be tolerated. This variant has not been reported in the literature in individuals affected with CWC27-related conditions. This variant is not present in population databases (gnomAD no frequency). This sequence change replaces lysine, which is basic and polar, with glutamic acid, which is acidic and polar, at codon 186 of the CWC27 protein (p.Lys186Glu).

NM_005869.4(CWC27):c.556A>G (p.Lys186Glu)

Gene: CWC27 (CWC27 spliceosome associated cyclophilin; plus strand). Cytogenetic location: 5q12.3.
Variant type: single nucleotide variant.
Coding change: c.556A>G on transcript NM_005869.4 (MANE Select); coding-DNA position 556, A replaced by G.
Protein change: p.Lys186Glu; replaces lysine 186 with glutamic acid.
Molecular consequence: missense variant.
Genome position (GRCh38, 1-based): chr5:64,786,584, A>G. VCF-style: chr5-64786584-A-G. GRCh37 (hg19) VCF-style: chr5-64082411-A-G.
Other names: c.556A>G, p.Lys186Glu (NM_001297644.1, NM_001297645.2, NM_001318000.2 and 1 more transcripts); short protein forms K186E.
Identifiers: ClinVar variation 1714533 (VCV001714533.5), dbSNP rs2531267383, ClinGen allele CA359846686.
Genomic context (GRCh38, chr5:64,786,584, plus strand): 5'-GTTTTGTTTAATCCTTTTGATGACATCATTCCAAGGGAAATTAAAAGGCTGAAAAAAGAG[A>G]AACCAGAGGAGGAAGTAAAGAAATTGAAACCCAAAGGCACAAAGTAATCATAGTGGAGAG-3'
Protein context (NP_005860.2, residues 176-196): PREIKRLKKE[Lys186Glu]PEEEVKKLKP